The following is an entry in ClinVar:

ClinVar aggregate classification (germline): Uncertain significance. Review status: criteria provided, multiple submitters, no conflicts (2 of 4 stars). 2 submissions from 2 submitters: Uncertain significance (2). Last evaluated 2024-07-28.

Conditions:
Hereditary cancer-predisposing syndrome. Also called: Hereditary Cancer Syndrome; Tumor predisposition; Hereditary neoplastic syndrome; Neoplastic Syndromes, Hereditary. Identifiers: Orphanet 140162, MedGen C0027672, MeSH D009386, MONDO:0015356.

Allele frequency attached by ClinVar (database versions not stated): ExAC 0.00001; gnomAD exomes 0.00001.
gnomAD v4.1: 5 of 1,614,148 alleles (0.00031%); highest among the groups gnomAD compares: South Asian, 0.0044%; no homozygotes.

Submissions (2):

Ambry Genetics
Classification: Uncertain significance for Hereditary cancer-predisposing syndrome. Last evaluated: 2024-07-28. Review status: criteria provided, single submitter. Criteria: Ambry Variant Classification Scheme 2023. Collection method: clinical testing. Allele origin: germline.
Comment: The p.N212D variant (also known as c.634A>G), located in coding exon 4 of the MSH3 gene, results from an A to G substitution at nucleotide position 634. The asparagine at codon 212 is replaced by aspartic acid, an amino acid with highly similar properties. This amino acid position is conserved. In addition, this alteration is predicted to be tolerated by in silico analysis. Based on the available evidence, the clinical significance of this variant remains unclear.

Labcorp Genetics (formerly Invitae), Labcorp
Classification: Uncertain significance. Last evaluated: 2022-12-08. Review status: criteria provided, single submitter. Criteria: Invitae Variant Classification Sherloc (09022015). Collection method: clinical testing. Allele origin: germline.
Comment: In summary, the available evidence is currently insufficient to determine the role of this variant in disease. Therefore, it has been classified as a Variant of Uncertain Significance. Algorithms developed to predict the effect of missense changes on protein structure and function output the following: SIFT: "Tolerated"; PolyPhen-2: "Benign"; Align-GVGD: "Class C0". The aspartic acid amino acid residue is found in multiple mammalian species, which suggests that this missense change does not adversely affect protein function. ClinVar contains an entry for this variant (Variation ID: 1413216). This variant has not been reported in the literature in individuals affected with MSH3-related conditions. This variant is present in population databases (rs756439715, gnomAD 0.006%). This sequence change replaces asparagine, which is neutral and polar, with aspartic acid, which is acidic and polar, at codon 212 of the MSH3 protein (p.Asn212Asp).

NM_002439.5(MSH3):c.634A>G (p.Asn212Asp)

Gene: MSH3 (mutS homolog 3; plus strand). Cytogenetic location: 5q14.1.
Variant type: single nucleotide variant.
Coding change: c.634A>G on transcript NM_002439.5 (MANE Select); coding-DNA position 634, A replaced by G.
Protein change: p.Asn212Asp; replaces asparagine 212 with aspartic acid.
Molecular consequence: missense variant.
Genome position (GRCh38, 1-based): chr5:80,670,151, A>G. VCF-style: chr5-80670151-A-G. GRCh37 (hg19) VCF-style: chr5-79965970-A-G.
Other names: c.634A>G (NM_002439.3); short protein forms N212D.
Identifiers: ClinVar variation 1413216 (VCV001413216.9), dbSNP rs756439715, ClinGen allele CA3327663.